The following is an entry in ClinVar:

NM_002691.4(POLD1):c.2660T>A (p.Leu887Gln)

Gene: POLD1 (DNA polymerase delta 1, catalytic subunit; plus strand). Cytogenetic location: 19q13.33.
Variant type: single nucleotide variant.
Coding change: c.2660T>A on transcript NM_002691.4 (MANE Select); coding-DNA position 2660, T replaced by A.
Protein change: p.Leu887Gln; replaces leucine 887 with glutamine.
Molecular consequence: missense variant. On other transcripts: non-coding transcript variant (1).
Genome position (GRCh38, 1-based): chr19:50,415,533, T>A. VCF-style: chr19-50415533-T-A. GRCh37 (hg19) VCF-style: chr19-50918790-T-A.
Other names: c.2660T>A, p.Leu887Gln (NM_001256849.1); c.2738T>A, p.Leu913Gln (NM_001308632.1); short protein forms L887Q, L913Q.
Identifiers: ClinVar variation 3421959 (VCV003421959.1).

ClinVar aggregate classification (germline): Uncertain significance (1 of 4 stars; one submission).

Conditions:
Hereditary cancer-predisposing syndrome. Also called: Neoplastic Syndromes, Hereditary; Tumor predisposition; Hereditary Cancer Syndrome; Hereditary neoplastic syndrome. Identifiers: Orphanet 140162, MedGen C0027672, MeSH D009386, MONDO:0015356.

Submission:

Ambry Genetics
Classification: Uncertain significance for Hereditary cancer-predisposing syndrome. Last evaluated: 2024-08-30. Review status: criteria provided, single submitter. Criteria: Ambry Variant Classification Scheme 2023. Collection method: clinical testing. Allele origin: germline.
Comment: The p.L887Q variant (also known as c.2660T>A), located in coding exon 20 of the POLD1 gene, results from a T to A substitution at nucleotide position 2660. The leucine at codon 887 is replaced by glutamine, an amino acid with dissimilar properties. This amino acid position is conserved. In addition, the in silico prediction for this alteration is inconclusive. Based on the available evidence, the clinical significance of this variant remains unclear.